The following is an entry in ClinVar:

ClinVar aggregate classification (germline): Uncertain significance (1 of 4 stars; one submission).

Allele frequency attached by ClinVar (database versions not stated): gnomAD exomes below 0.00001; ExAC 0.00001; gnomAD 0.00001; TOPMed 0.00001; ESP Exome Variant Server 0.00015.
gnomAD v4.1: 3 of 1,614,028 alleles (0.00019%); highest among the groups gnomAD compares: Non-Finnish European, 0.00025%; no homozygotes.

Submission:

GeneDx
Classification: Uncertain significance. Last evaluated: 2022-04-26. Review status: criteria provided, single submitter. Criteria: GeneDx Variant Classification Process June 2021. Collection method: clinical testing. Allele origin: germline. Affected: yes.
Comment: In silico analysis supports that this missense variant does not alter protein structure/function; Has not been previously published as pathogenic or benign to our knowledge

NM_024009.3(GJB3):c.344A>C (p.Lys115Thr)

Gene: GJB3 (gap junction protein beta 3; plus strand). Cytogenetic location: 1p34.3.
Variant type: single nucleotide variant.
Coding change: c.344A>C on transcript NM_024009.3 (MANE Select); coding-DNA position 344, A replaced by C.
Protein change: p.Lys115Thr; replaces lysine 115 with threonine.
Molecular consequence: missense variant.
Genome position (GRCh38, 1-based): chr1:34,785,106, A>C. VCF-style: chr1-34785106-A-C. GRCh37 (hg19) VCF-style: chr1-35250707-A-C.
Other names: c.344A>C, p.Lys115Thr (NM_001005752.2); short protein forms K115T.
Identifiers: ClinVar variation 1712616 (VCV001712616.2), dbSNP rs150776404, ClinGen allele CA754818.